The following is an entry in ClinVar:

ClinVar aggregate classification (germline): Uncertain significance. Review status: criteria provided, multiple submitters, no conflicts (2 of 4 stars). 6 submissions from 6 submitters: Uncertain significance (6). Last evaluated 2025-05-12.

Conditions:
Inborn genetic diseases. Identifiers: MedGen C0950123, MeSH D030342.
Malignant hyperthermia, susceptibility to, 1 (MHS1). Also called: RYR1-Related Malignant Hyperthermia Susceptibility; Malignant hyperthermia suceptibility 1; Anesthesia related hyperthermia; Malignant hyperpyrexia; Fulminating hyperpyrexia; Pharmacogenic myopathy. Identifiers: Orphanet 423, MedGen C2930980, MONDO:0007783, OMIM 145600.
RYR1-related disorder. Also called: RYR1-related disorders; RYR1-related condition. Identifiers: MedGen CN239331.

Allele frequency attached by ClinVar (database versions not stated): ExAC 0.00001; gnomAD 0.00001; gnomAD exomes 0.00001; TOPMed 0.00002; ESP Exome Variant Server 0.00008.
gnomAD v4.1: 22 of 1,613,676 alleles (0.0014%); highest among the groups gnomAD compares: South Asian, 0.0044%; no homozygotes.

Submissions (6):

Color Diagnostics, LLC DBA Color Health
Classification: Uncertain significance for Malignant hyperthermia, susceptibility to, 1. Last evaluated: 2025-05-12. Review status: criteria provided, single submitter. Criteria: ACMG Guidelines, 2015. Collection method: clinical testing. Allele origin: germline.
Comment: This missense variant replaces arginine with histidine at codon 2650 of the RYR1 protein. Computational prediction suggests that this variant may have deleterious impact on protein structure and function. To our knowledge, functional studies have not been reported for this variant. This variant has not been reported in individuals affected with RYR1-related disorders in the literature. This variant has been identified in 1/250514 chromosomes in the general population by the Genome Aggregation Database (gnomAD). The available evidence is insufficient to determine the role of this variant in disease conclusively. Therefore, this variant is classified as a Variant of Uncertain Significance.

GeneDx
Classification: Uncertain significance. Last evaluated: 2024-11-22. Review status: criteria provided, single submitter. Criteria: GeneDx Variant Classification Process June 2021. Collection method: clinical testing. Allele origin: germline. Affected: yes.
Comment: Not observed at significant frequency in large population cohorts (gnomAD); In silico analysis supports that this missense variant has a deleterious effect on protein structure/function; Has not been previously published as pathogenic or benign to our knowledge

All of Us Research Program, National Institutes of Health
Classification: Uncertain significance for Malignant hyperthermia, susceptibility to, 1. Last evaluated: 2024-06-11. Review status: criteria provided, single submitter. Criteria: ACMG Guidelines, 2015. Collection method: clinical testing. Allele origin: germline. Inheritance: Autosomal dominant inheritance. Observed: 3 variant alleles, 3 heterozygotes.
Comment: This missense variant replaces arginine with histidine at codon 2650 of the RYR1 protein. Computational prediction suggests that this variant may have deleterious impact on protein structure and function (internally defined REVEL score threshold >= 0.7, PMID: 27666373). To our knowledge, functional studies have not been reported for this variant. This variant has not been reported in individuals affected with RYR1-related disorders in the literature. This variant has been identified in 1/250514 chromosomes in the general population by the Genome Aggregation Database (gnomAD). The available evidence is insufficient to determine the role of this variant in disease conclusively. Therefore, this variant is classified as a Variant of Uncertain Significance.

This study involves interpretation of variants in research participants for the purpose of population health screening. Participant phenotype was not available at the time of variant classification. Additional details can be found in publication PMID: 35346344, PMCID: PMC8962531

Ambry Genetics
Classification: Uncertain significance for Inborn genetic diseases. Last evaluated: 2023-04-26. Review status: criteria provided, single submitter. Criteria: Ambry Variant Classification Scheme 2023. Collection method: clinical testing. Allele origin: germline.

Labcorp Genetics (formerly Invitae), Labcorp
Classification: Uncertain significance for RYR1-related disorder. Last evaluated: 2022-10-25. Review status: criteria provided, single submitter. Criteria: Invitae Variant Classification Sherloc (09022015). Collection method: clinical testing. Allele origin: germline.
Comment: This sequence change replaces arginine, which is basic and polar, with histidine, which is basic and polar, at codon 2650 of the RYR1 protein (p.Arg2650His). The frequency data for this variant in the population databases is considered unreliable, as metrics indicate poor data quality at this position in the gnomAD database. This variant has not been reported in the literature in individuals affected with RYR1-related conditions. Advanced modeling of protein sequence and biophysical properties (such as structural, functional, and spatial information, amino acid conservation, physicochemical variation, residue mobility, and thermodynamic stability) has been performed at Invitae for this missense variant, however the output from this modeling did not meet the statistical confidence thresholds required to predict the impact of this variant on RYR1 protein function. In summary, the available evidence is currently insufficient to determine the role of this variant in disease. Therefore, it has been classified as a Variant of Uncertain Significance.

Blueprint Genetics
Classification: Uncertain significance. Last evaluated: 2021-09-07. Review status: criteria provided, single submitter. Criteria: ACMG Guidelines, 2015. Collection method: clinical testing. Allele origin: germline.

NM_000540.3(RYR1):c.7949G>A (p.Arg2650His)

Gene: RYR1 (ryanodine receptor 1; plus strand). Cytogenetic location: 19q13.2.
Variant type: single nucleotide variant.
Coding change: c.7949G>A on transcript NM_000540.3 (MANE Select); coding-DNA position 7949, G replaced by A.
Protein change: p.Arg2650His; replaces arginine 2650 with histidine.
Molecular consequence: missense variant.
Genome position (GRCh38, 1-based): chr19:38,504,242, G>A. VCF-style: chr19-38504242-G-A. GRCh37 (hg19) VCF-style: chr19-38994882-G-A.
Other names: c.7949G>A, p.Arg2650His (NM_001042723.2); short protein forms R2650H.
Identifiers: ClinVar variation 1933243 (VCV001933243.9), dbSNP rs145733990, ClinGen allele CA071152.